The following is an entry in ClinVar:

NM_181486.4(TBX5):c.331G>T (p.Asp111Tyr)

Gene: TBX5 (T-box transcription factor 5; minus strand). Cytogenetic location: 12q24.21.
Variant type: single nucleotide variant.
Coding change: c.331G>T on transcript NM_181486.4 (MANE Select); coding-DNA position 331, G replaced by T.
Protein change: p.Asp111Tyr; replaces aspartic acid 111 with tyrosine.
Molecular consequence: missense variant.
Genome position (GRCh38, 1-based): chr12:114,399,544, C>A on the plus strand (G>T on the coding strand, the complement: TBX5 is on the minus strand). VCF-style: chr12-114399544-C-A. GRCh37 (hg19) VCF-style: chr12-114837349-C-A.
Other names: p.D111Y:GAT>TAT; c.331G>T, p.Asp111Tyr (NM_000192.3); c.181G>T, p.Asp61Tyr (NM_080717.4); short protein forms D111Y, D61Y.
Identifiers: ClinVar variation 213813 (VCV000213813.57), dbSNP rs77357563, ClinGen allele CA322552.

ClinVar aggregate classification (germline): Benign/Likely benign. Review status: criteria provided, multiple submitters, no conflicts (2 of 4 stars). 15 submissions from 15 submitters: Benign (7); Likely benign (5). 3 of the submissions do not count toward it. Last evaluated 2026-06-01.

Conditions:
TBX5-related disorder. Also called: TBX5-related condition.
Cardiovascular phenotype. Identifiers: MedGen CN230736.
Aortic valve disease 2 (AOVD2). Identifiers: MedGen C3542024, MONDO:0013902, OMIM 614823.
Holt-Oram syndrome (HOS). Also called: TBX5-Related Holt-Oram Syndrome; Ventriculo-radial syndrome; Cardiac-limb syndrome; Heart-hand syndrome, type 1. Identifiers: Orphanet 392, MedGen C0265264, MONDO:0007732, OMIM 142900.

Allele frequency attached by ClinVar (database versions not stated): 1000 Genomes Project 30x 0.00219; 1000 Genomes Project 0.00220; gnomAD exomes 0.00334 and 0.00421; ESP Exome Variant Server 0.00338; ExAC 0.00340; gnomAD 0.00371 and 0.00382; TOPMed 0.00441.

Submissions (17):

CeGaT Center for Human Genetics Tuebingen
Classification: Benign. Last evaluated: 2026-06-01. Review status: criteria provided, single submitter. Criteria: CeGaT Center For Human Genetics Tuebingen Variant Classification Criteria Version 2. Collection method: clinical testing. Allele origin: germline. Affected: yes. Observed: 7 variant alleles.
Comment: TBX5: PP3, BS1, BS2

Labcorp Genetics (formerly Invitae), Labcorp
Classification: Benign for Aortic valve disease 2. Last evaluated: 2026-01-21. Review status: criteria provided, single submitter. Criteria: Invitae Variant Classification Sherloc (09022015). Collection method: clinical testing. Allele origin: germline.

Molecular Diagnostic Laboratory for Inherited Cardiovascular Disease, Montreal Heart Institute
Classification: Likely benign. Last evaluated: 2025-04-09. Review status: criteria provided, single submitter. Criteria: ACMG Guidelines, 2015. Collection method: clinical testing. Allele origin: germline. Affected: no.

Blueprint Genetics
Classification: Likely benign. Last evaluated: 2024-11-25. Review status: criteria provided, single submitter. Criteria: ACMG Guidelines, 2015. Collection method: clinical testing. Allele origin: germline.

Fulgent Genetics
Classification: Likely benign for Holt-Oram syndrome. Last evaluated: 2022-04-29. Review status: criteria provided, single submitter. Criteria: ACMG Guidelines, 2015. Collection method: clinical testing. Allele origin: unknown.

Mendelics
Classification: Benign for Holt-Oram syndrome. Last evaluated: 2019-05-28. Review status: criteria provided, single submitter. Criteria: Mendelics Assertion Criteria 2017. Collection method: clinical testing. Allele origin: unknown.

Ambry Genetics
Classification: Likely benign for Cardiovascular phenotype. Last evaluated: 2019-05-08. Review status: criteria provided, single submitter. Criteria: Ambry Variant Classification Scheme 2023. Collection method: clinical testing. Allele origin: germline.

GeneDx
Classification: Benign. Last evaluated: 2019-02-05. Review status: criteria provided, single submitter. Criteria: GeneDx Variant Classification Process June 2021. Collection method: clinical testing. Allele origin: germline. Affected: yes.
Comment: This variant is associated with the following publications: (PMID: 22011241, 16376438, 19429598, 28251916, 28074886, 30639323)

Illumina Laboratory Services, Illumina
Classification: Benign for Holt-Oram syndrome. Last evaluated: 2018-03-06. Review status: criteria provided, single submitter. Criteria: ICSL Variant Classification Criteria 13 December 2019. Collection method: clinical testing. Allele origin: germline.
Comment: This variant was observed in the ICSL laboratory as part of a predisposition screen in an ostensibly healthy population. It had not been previously curated by ICSL or reported in the Human Gene Mutation Database (HGMD: prior to June 1st, 2018), and was therefore a candidate for classification through an automated scoring system. Utilizing variant allele frequency, disease prevalence and penetrance estimates, and inheritance mode, an automated score was calculated to assess if this variant is too frequent to cause the disease. Based on the score and internal cut-off values, a variant classified as benign is not then subjected to further curation. The score for this variant resulted in a classification of benign for this disease.

Center for Pediatric Genomic Medicine, Children's Mercy Hospital and Clinics
Classification: Benign. Last evaluated: 2017-02-16. Review status: criteria provided, single submitter. Criteria: ACMG Guidelines, 2015. Collection method: clinical testing. Allele origin: germline.

Eurofins Ntd Llc (ga)
Classification: Benign. Last evaluated: 2016-09-01. Review status: criteria provided, single submitter. Criteria: EGL Classification Definitions 2015. Collection method: clinical testing. Allele origin: germline. Observed: 1 variant allele, 1 heterozygote.

Breakthrough Genomics
Classification: Likely benign. Review status: criteria provided, single submitter. Criteria: ACMG Guidelines, 2015. Collection method: not provided. Allele origin: germline. Inheritance: Autosomal dominant inheritance. Affected: yes.

PreventionGenetics, part of Exact Sciences
Classification: Likely benign for TBX5-related condition. Last evaluated: 2019-07-16. Review status: no assertion criteria provided. Collection method: clinical testing. Allele origin: germline. Not counted in ClinVar's aggregate classification.
Comment: This variant is classified as likely benign based on ACMG/AMP sequence variant interpretation guidelines (Richards et al. 2015 PMID: 25741868, with internal and published modifications).

Dr. Peter K. Rogan Lab, Western University
No classification provided (evidence only). Condition: Familial cancer of breast. Review status: no classification provided. Collection method: in vitro. Allele origin: not applicable. Functional consequence: retained intron. Not counted in ClinVar's aggregate classification.

Dr. Peter K. Rogan Lab, Western University
No classification provided (evidence only). Condition: Familial cancer of breast. Review status: no classification provided. Collection method: in vitro. Allele origin: not applicable. Functional consequence: retained intron. Not counted in ClinVar's aggregate classification.

Genome Diagnostics Laboratory, University Medical Center Utrecht
Classification: Benign. Review status: no assertion criteria provided. Collection method: clinical testing. Allele origin: germline. Affected: yes. Study: VKGL Data-share Consensus. Not counted in ClinVar's aggregate classification.

Laboratory of Diagnostic Genome Analysis, Leiden University Medical Center (LUMC)
Classification: Likely benign. Review status: no assertion criteria provided. Collection method: clinical testing. Allele origin: germline. Affected: yes. Study: VKGL Data-share Consensus. Not counted in ClinVar's aggregate classification.